The following is an entry in ClinVar:

NM_004614.5(TK2):c.727A>C (p.Arg243=)

Gene: TK2 (thymidine kinase 2; minus strand). Cytogenetic location: 16q21.
Variant type: single nucleotide variant.
Coding change: c.727A>C on transcript NM_004614.5 (MANE Select); coding-DNA position 727, A replaced by C.
Protein change: p.Arg243=; no amino-acid change (arginine 243 retained).
Molecular consequence: synonymous variant. On other transcripts: 3 prime UTR variant (1), non-coding transcript variant (1).
Genome position (GRCh38, 1-based): chr16:66,512,039, T>G on the plus strand (A>C on the coding strand, the complement: TK2 is on the minus strand). VCF-style: chr16-66512039-T-G. GRCh37 (hg19) VCF-style: chr16-66545942-T-G.
Other names: c.634A>C, p.Arg212= (NM_001172643.1); c.652A>C, p.Arg218= (NM_001172644.2); c.673A>C, p.Arg225= (NM_001172645.2); c.580A>C, p.Arg194= (NM_001271934.2); c.*24A>C (NM_001271935.1); c.436A>C, p.Arg146= (NM_001272050.2).
Identifiers: ClinVar variation 384234 (VCV000384234.1), dbSNP rs1057521899, ClinGen allele CA16607434.

ClinVar aggregate classification (germline): Likely benign (1 of 4 stars; one submission).

Submission:

GeneDx
Classification: Likely benign. Last evaluated: 2016-03-14. Review status: criteria provided, single submitter. Criteria: GeneDx Variant Classification (06012015). Collection method: clinical testing. Allele origin: germline. Affected: yes.
Comment: This variant is considered likely benign or benign based on one or more of the following criteria: it is a conservative change, it occurs at a poorly conserved position in the protein, it is predicted to be benign by multiple in silico algorithms, and/or has population frequency not consistent with disease.